The following is an entry in ClinVar:

ClinVar aggregate classification (germline): Likely benign (1 of 4 stars; one submission).

Conditions:
Hereditary diffuse gastric adenocarcinoma (HDGC). Also called: DIFFUSE GASTRIC AND LOBULAR BREAST CANCER SYNDROME. Identifiers: Orphanet 26106, MedGen C1708349, MONDO:0007648, OMIM 137215.

Submission:

Myriad Genetics, Inc.
Classification: Likely benign for Hereditary diffuse gastric adenocarcinoma. Last evaluated: 2024-10-15. Review status: criteria provided, single submitter. Criteria: Myriad Autosomal Dominant, Autosomal Recessive and X-Linked Classification Criteria (2023). Collection method: clinical testing. Allele origin: unknown.
Comment: This variant is considered likely benign. This variant is intronic and is not expected to impact mRNA splicing.

NM_001903.5(CTNNA1):c.2193-9TCT[3]

Gene: CTNNA1 (catenin alpha 1; plus strand). Cytogenetic location: 5q31.2.
Variant type: Microsatellite.
Coding change: c.2193-9TCT[3] on transcript NM_001903.5 (MANE Select); three copies in a row of the 3-base unit TCT starting at c.2193-9; the reference has two copies in a row; one copy, 3 bases duplicated.
Molecular consequence: intron variant.
Genome position (GRCh38, 1-based): chr5:138,930,824-138,930,826, TCT duplicated; duplicating any 3 consecutive bases within chr5:138,930,821-138,930,826 gives the same sequence; the position shown is the placement nearest the transcript's 3' end. VCF-style (leftmost placement, unchanged base first): chr5-138930820-C-CTCT. GRCh37 (hg19) VCF-style: chr5-138266509-C-CTCT.
Other names: c.2193-9TCT[3] (NM_001323982.2, NM_001323984.2, NM_001290307.3 and 2 more transcripts); c.2100-9TCT[3] (NM_001323986.2); c.1824-9TCT[3] (NM_001290310.3); c.1884-9TCT[3] (NM_001290309.3); c.1083-9TCT[3] (NM_001323996.1, NM_001323993.1, NM_001324005.1 and 17 more transcripts); c.744-9TCT[3] (NM_001324007.1, NM_001324009.1, NM_001324006.1 and 2 more transcripts); c.840-9TCT[3] (NM_001324013.1, NM_001324012.1); c.990-9TCT[3] (NM_001324011.1).
Identifiers: ClinVar variation 3773336 (VCV003773336.1).